The following is an entry in ClinVar:

NM_006767.4(LZTR1):c.724G>A (p.Val242Ile)

Gene: LZTR1 (leucine zipper like post translational regulator 1; plus strand). Cytogenetic location: 22q11.21.
Variant type: single nucleotide variant.
Coding change: c.724G>A on transcript NM_006767.4 (MANE Select); coding-DNA position 724, G replaced by A.
Protein change: p.Val242Ile; replaces valine 242 with isoleucine.
Molecular consequence: missense variant.
Genome position (GRCh38, 1-based): chr22:20,990,458, G>A. VCF-style: chr22-20990458-G-A. GRCh37 (hg19) VCF-style: chr22-21344747-G-A.
Other names: short protein forms V242I.
Identifiers: ClinVar variation 1471722 (VCV001471722.6), dbSNP rs780354295, ClinGen allele CA10118602.

ClinVar aggregate classification (germline): Uncertain significance (1 of 4 stars; one submission).

Allele frequency attached by ClinVar (database versions not stated): gnomAD exomes below 0.00001; ExAC 0.00001.
gnomAD v4.1: 1 of 1,614,086 alleles (0.000062%); highest among the groups gnomAD compares: Non-Finnish European, 0.000085%; no homozygotes.

Submission:

Labcorp Genetics (formerly Invitae), Labcorp
Classification: Uncertain significance. Last evaluated: 2021-08-03. Review status: criteria provided, single submitter. Criteria: Invitae Variant Classification Sherloc (09022015). Collection method: clinical testing. Allele origin: germline.
Comment: This sequence change replaces valine with isoleucine at codon 242 of the LZTR1 protein (p.Val242Ile). The valine residue is highly conserved and there is a small physicochemical difference between valine and isoleucine. This variant is present in population databases (rs780354295, ExAC 0.002%). This variant has not been reported in the literature in individuals affected with LZTR1-related conditions. Algorithms developed to predict the effect of missense changes on protein structure and function are either unavailable or do not agree on the potential impact of this missense change (SIFT: "Tolerated"; PolyPhen-2: "Possibly Damaging"; Align-GVGD: "Class C0"). In summary, the available evidence is currently insufficient to determine the role of this variant in disease. Therefore, it has been classified as a Variant of Uncertain Significance.